The following is an entry in ClinVar:

NM_015662.3(IFT172):c.4125C>T (p.Asn1375=)

Gene: IFT172 (intraflagellar transport 172; minus strand). Cytogenetic location: 2p23.3.
Variant type: single nucleotide variant.
Coding change: c.4125C>T on transcript NM_015662.3 (MANE Select); coding-DNA position 4125, C replaced by T.
Protein change: p.Asn1375=; no amino-acid change (asparagine 1375 retained).
Molecular consequence: synonymous variant.
Genome position (GRCh38, 1-based): chr2:27,449,726, G>A on the plus strand (C>T on the coding strand, the complement: IFT172 is on the minus strand). VCF-style: chr2-27449726-G-A. GRCh37 (hg19) VCF-style: chr2-27672593-G-A.
Other names: c.4125C>T (NM_015662.2); c.4059C>T, p.Asn1353= (NM_001410739.1).
Identifiers: ClinVar variation 4954309 (VCV004954309.2).

ClinVar aggregate classification (germline): Likely benign. Review status: criteria provided, multiple submitters, no conflicts (2 of 4 stars). 2 submissions from 2 submitters: Likely benign (2). Last evaluated 2025-05-02.

Conditions:
IFT172-related disorder. Also called: IFT172-related condition; IFT172-related disorders.

gnomAD v4.1: 6 of 1,613,838 alleles (0.00037%); highest among the groups gnomAD compares: African/African-American, 0.0013%; no homozygotes.

Submissions (2):

PreventionGenetics, part of Exact Sciences
Classification: Likely benign for IFT172-related condition. Last evaluated: 2025-05-02. Review status: criteria provided, single submitter. Criteria: ACMG Guidelines, 2015. Collection method: clinical testing. Allele origin: germline.
Comment: This variant is classified as likely benign based on ACMG/AMP sequence variant interpretation guidelines (Richards et al. 2015 PMID: 25741868, with internal and published modifications).

Blueprint Genetics
Classification: Likely benign. Last evaluated: 2022-06-20. Review status: criteria provided, single submitter. Criteria: ACMG Guidelines, 2015. Collection method: clinical testing. Allele origin: germline.